The following is an entry in ClinVar:

NM_000535.7(PMS2):c.2304T>C (p.Ile768=)

Gene: PMS2 (PMS1 homolog 2, mismatch repair system component; minus strand). Cytogenetic location: 7p22.1.
Variant type: single nucleotide variant.
Coding change: c.2304T>C on transcript NM_000535.7 (MANE Select); coding-DNA position 2304, T replaced by C.
Protein change: p.Ile768=; no amino-acid change (isoleucine 768 retained).
Molecular consequence: synonymous variant. On other transcripts: intron variant (2).
Genome position (GRCh38, 1-based): chr7:5,977,729, A>G on the plus strand (T>C on the coding strand, the complement: PMS2 is on the minus strand). VCF-style: chr7-5977729-A-G. GRCh37 (hg19) VCF-style: chr7-6017360-A-G.
Other names: c.1899T>C, p.Ile633= (NM_001322003.2, NM_001322004.2, NM_001322005.2 and 11 more transcripts); c.1986T>C, p.Ile662= (NM_001322007.2, NM_001322008.2, NM_001406883.1); c.1932T>C, p.Ile644= (NM_001322009.2, NM_001406887.1, NM_001406888.1); c.1743T>C, p.Ile581= (NM_001322010.2, NM_001406906.1, NM_001406907.1); c.2148T>C, p.Ile716= (NM_001322006.2); c.1371T>C, p.Ile457= (NM_001322011.2, NM_001322012.2); c.1731T>C, p.Ile577= (NM_001322013.2, NM_001406908.1, NM_001406909.1); c.2337T>C, p.Ile779= (NM_001322014.2); and 20 more.
Identifiers: ClinVar variation 3421534 (VCV003421534.2).
Genomic context (GRCh38, chr7:5,977,729, plus strand): 5'-GAAGATCAGTTCATCGACGTCCTGGGGTCCGAAGGTCCAGTTTTTACTAGTTGGCAAGGA[A>G]ATCAGTTTAGCCCTTTCAGTGACTGGAGCTAAAAGAATACAATTTTGAGAAAAATCCATG-3'
Protein context (NP_000526.2, residues 758-778): NAPVTERAKL[Ile768=]SLPTSKNWTF

ClinVar aggregate classification (germline): Benign/Likely benign. Review status: criteria provided, multiple submitters, no conflicts (2 of 4 stars). 2 submissions from 2 submitters: Benign (1); Likely benign (1). Last evaluated 2025-02-04.

Conditions:
Hereditary cancer-predisposing syndrome. Also called: Neoplastic Syndromes, Hereditary; Tumor predisposition; Hereditary Cancer Syndrome; Hereditary neoplastic syndrome. Identifiers: Orphanet 140162, MedGen C0027672, MeSH D009386, MONDO:0015356.
Lynch syndrome 4 (LYNCH4). Also called: Colorectal cancer, hereditary nonpolyposis, type 4; Hereditary non-polyposis colorectal cancer, type 4. Identifiers: Orphanet 144, MedGen C1838333, MONDO:0013699, OMIM 614337. Disease mechanism: loss of function.

Submissions (2):

Myriad Genetics, Inc.
Classification: Benign for Lynch syndrome 4. Last evaluated: 2025-02-04. Review status: criteria provided, single submitter. Criteria: Myriad Autosomal Dominant, Autosomal Recessive and X-Linked Classification Criteria (2023). Collection method: clinical testing. Allele origin: unknown.
Comment: This variant is considered benign. This variant is a silent/synonymous amino acid change and it is not expected to impact splicing.

Ambry Genetics
Classification: Likely benign for Hereditary cancer-predisposing syndrome. Last evaluated: 2024-11-10. Review status: criteria provided, single submitter. Criteria: Ambry Variant Classification Scheme 2023. Collection method: clinical testing. Allele origin: germline.